The following is an entry in ClinVar:

NM_025207.5(FLAD1):c.609C>T (p.Pro203=)

Gene: FLAD1 (flavin adenine dinucleotide synthetase 1; plus strand). Cytogenetic location: 1q21.3.
Variant type: single nucleotide variant.
Coding change: c.609C>T on transcript NM_025207.5 (MANE Select); coding-DNA position 609, C replaced by T.
Protein change: p.Pro203=; no amino-acid change (proline 203 retained).
Molecular consequence: synonymous variant.
Genome position (GRCh38, 1-based): chr1:154,988,341, C>T. VCF-style: chr1-154988341-C-T. GRCh37 (hg19) VCF-style: chr1-154960817-C-T.
Other names: c.609C>T (NM_025207.4); c.318C>T, p.Pro106= (NM_001184891.2, NM_201398.3); c.312C>T, p.Pro104= (NM_001184892.2).
Identifiers: ClinVar variation 1529086 (VCV001529086.20), dbSNP rs776874328, ClinGen allele CA1134360.

ClinVar aggregate classification (germline): Likely benign. Review status: criteria provided, multiple submitters, no conflicts (2 of 4 stars). 3 submissions from 3 submitters: Likely benign (2). 1 of the submissions does not count toward it. Last evaluated 2025-08-06.

Conditions:
FLAD1-related disorder. Also called: FLAD1-related condition.

Allele frequency attached by ClinVar (database versions not stated): gnomAD exomes 0.00001; TOPMed 0.00001; ExAC 0.00002.
gnomAD v4.1: 21 of 1,614,174 alleles (0.0013%); highest among the groups gnomAD compares: Non-Finnish European, 0.0016%; no homozygotes.

Submissions (3):

Labcorp Genetics (formerly Invitae), Labcorp
Classification: Likely benign. Last evaluated: 2025-08-06. Review status: criteria provided, single submitter. Criteria: Invitae Variant Classification Sherloc (09022015). Collection method: clinical testing. Allele origin: germline.

CeGaT Center for Human Genetics Tuebingen
Classification: Likely benign. Last evaluated: 2025-06-01. Review status: criteria provided, single submitter. Criteria: CeGaT Center For Human Genetics Tuebingen Variant Classification Criteria Version 2. Collection method: clinical testing. Allele origin: germline. Affected: yes. Observed: 1 variant allele.
Comment: FLAD1: BP4, BP7

PreventionGenetics, part of Exact Sciences
Classification: Likely benign for FLAD1-related condition. Last evaluated: 2022-11-22. Review status: no assertion criteria provided. Collection method: clinical testing. Allele origin: germline. Not counted in ClinVar's aggregate classification.
Comment: This variant is classified as likely benign based on ACMG/AMP sequence variant interpretation guidelines (Richards et al. 2015 PMID: 25741868, with internal and published modifications).